The following is an entry in ClinVar:

ClinVar aggregate classification (germline): Benign. Review status: criteria provided, multiple submitters, no conflicts (2 of 4 stars). 3 submissions from 3 submitters: Benign (3). Last evaluated 2026-01-26.

Allele frequency attached by ClinVar (database versions not stated): TOPMed 0.52792; 1000 Genomes Project 30x 0.52811; gnomAD exomes 0.52941; gnomAD 0.53292 and 0.54292; 1000 Genomes Project 0.53774.

Submissions (3):

Labcorp Genetics (formerly Invitae), Labcorp
Classification: Benign. Last evaluated: 2026-01-26. Review status: criteria provided, single submitter. Criteria: Invitae Variant Classification Sherloc (09022015). Collection method: clinical testing. Allele origin: germline.

GeneDx
Classification: Benign. Last evaluated: 2018-07-20. Review status: criteria provided, single submitter. Criteria: GeneDx Variant Classification Process June 2021. Collection method: clinical testing. Allele origin: germline. Affected: yes.
Comment: This variant is associated with the following publications: (PMID: 23555892, 23209702, 25776475)

Breakthrough Genomics
Classification: Benign. Review status: criteria provided, single submitter. Criteria: ACMG Guidelines, 2015. Collection method: not provided. Allele origin: germline. Inheritance: Autosomal dominant inheritance. Affected: yes.

NC_000001.11:g.11262571G>T

Gene: MTOR (mechanistic target of rapamycin kinase; minus strand). Cytogenetic location: 1p36.22.
Variant type: single nucleotide variant.
Genome position: GRCh38 VCF-style: chr1-11262571-G-T. GRCh37 (hg19) VCF-style: chr1-11322628-G-T.
Identifiers: ClinVar variation 1167238 (VCV001167238.11), dbSNP rs2295080, ClinGen allele CA10714971.
Genomic context (GRCh38, chr1:11,262,571, plus strand): 5'-CCCCACCGCCCGCCTTCCCCGCTGTCCTCTAAGCCGGGAGCGAGGGAAGGAGGGTTCCCA[G>T]CCCTGAGGACCAATCGACAGGTATAGGGAGAAGATGGACTGAAAAACAGGCCAATAGTAA-3'